The following is an entry in ClinVar:

NM_181332.3(NLGN4X):c.55G>A (p.Val19Ile)

Gene: NLGN4X (neuroligin 4 X-linked; minus strand). Cytogenetic location: Xp22.31.
Variant type: single nucleotide variant.
Coding change: c.55G>A on transcript NM_181332.3 (MANE Select); coding-DNA position 55, G replaced by A.
Protein change: p.Val19Ile; replaces valine 19 with isoleucine.
Molecular consequence: missense variant.
Genome position (GRCh38, 1-based): chrX:6,151,412, C>T on the plus strand (G>A on the coding strand, the complement: NLGN4X is on the minus strand). VCF-style: chrX-6151412-C-T. GRCh37 (hg19) VCF-style: chrX-6069453-C-T.
Other names: c.55G>A, p.Val19Ile (NM_001282145.2, NM_001282146.2, NM_020742.4); short protein forms V19I.
Identifiers: ClinVar variation 1708930 (VCV001708930.3), dbSNP rs1180614483, ClinGen allele CA412015571.

ClinVar aggregate classification (germline): Uncertain significance (1 of 4 stars; one submission).

Allele frequency attached by ClinVar (database versions not stated): gnomAD exomes 0.00001; TOPMed 0.00001; gnomAD 0.00002.
gnomAD v4.1: 5 of 1,209,770 alleles (0.00041%); highest among the groups gnomAD compares: South Asian, 0.0035%; no homozygotes.

Submission:

GeneDx
Classification: Uncertain significance. Last evaluated: 2024-07-18. Review status: criteria provided, single submitter. Criteria: GeneDx Variant Classification Process June 2021. Collection method: clinical testing. Allele origin: germline. Affected: yes.
Comment: Not observed at significant frequency in large population cohorts (gnomAD); In silico analysis indicates that this missense variant does not alter protein structure/function; Has not been previously published as pathogenic or benign to our knowledge